The following is an entry in ClinVar:

ClinVar aggregate classification (germline): Uncertain significance. Review status: criteria provided, multiple submitters, no conflicts (2 of 4 stars). 3 submissions from 3 submitters: Uncertain significance (3). Last evaluated 2025-09-05.

Conditions:
Becker muscular dystrophy (BMD). Also called: MUSCULAR DYSTROPHY, PSEUDOHYPERTROPHIC PROGRESSIVE, BECKER TYPE; Becker Muscular Dystrophy (BMD). Identifiers: Orphanet 98895, MedGen C0917713, MONDO:0010311, OMIM 300376.
Dilated cardiomyopathy 3B (CMD3B). Also called: CMD3B: DMD-Related Dilated Cardiomyopathy; CARDIOMYOPATHY, DILATED, X-LINKED; DMD-Associated Dilated Cardiomyopathy. Identifiers: Orphanet 154, MedGen C3668940, MONDO:0010542, OMIM 302045.
Duchenne muscular dystrophy (DMD). Also called: MUSCULAR DYSTROPHY, PSEUDOHYPERTROPHIC PROGRESSIVE, DUCHENNE TYPE; Duchenne Muscular Dystrophy (DMD). Identifiers: Orphanet 98896, MedGen C0013264, MONDO:0010679, OMIM 310200.
Cardiovascular phenotype. Identifiers: MedGen CN230736.

Submissions (3):

Ambry Genetics
Classification: Uncertain significance for Cardiovascular phenotype. Last evaluated: 2025-09-05. Review status: criteria provided, single submitter. Criteria: Ambry Variant Classification Scheme 2023. Collection method: clinical testing. Allele origin: germline.
Comment: The p.D609G variant (also known as c.1826A>G), located in coding exon 16 of the DMD gene, results from an A to G substitution at nucleotide position 1826. The aspartic acid at codon 609 is replaced by glycine, an amino acid with similar properties. This amino acid position is well conserved in available vertebrate species. In addition, this alteration is predicted to be tolerated by in silico analysis. Based on the available evidence, the clinical significance of this variant remains unclear.

GeneDx
Classification: Uncertain significance. Last evaluated: 2023-06-05. Review status: criteria provided, single submitter. Criteria: GeneDx Variant Classification Process June 2021. Collection method: clinical testing. Allele origin: germline. Affected: yes.
Comment: Not observed at significant frequency in large population cohorts (gnomAD); In silico analysis supports that this missense variant has a deleterious effect on protein structure/function; Has not been previously published as pathogenic or benign to our knowledge

Fulgent Genetics
Classification: Uncertain significance for Becker muscular dystrophy; Dilated cardiomyopathy 3B; Duchenne muscular dystrophy. Last evaluated: 2021-07-15. Review status: criteria provided, single submitter. Criteria: ACMG Guidelines, 2015. Collection method: clinical testing. Allele origin: unknown.

NM_004006.3(DMD):c.1826A>G (p.Asp609Gly)

Gene: DMD (dystrophin; minus strand). Cytogenetic location: Xp21.1.
Variant type: single nucleotide variant.
Coding change: c.1826A>G on transcript NM_004006.3 (MANE Select); coding-DNA position 1826, A replaced by G.
Protein change: p.Asp609Gly; replaces aspartic acid 609 with glycine.
Molecular consequence: missense variant.
Genome position (GRCh38, 1-based): chrX:32,565,868, T>C on the plus strand (A>G on the coding strand, the complement: DMD is on the minus strand). VCF-style: chrX-32565868-T-C. GRCh37 (hg19) VCF-style: chrX-32583985-T-C.
Other names: c.1802A>G, p.Asp601Gly (NM_000109.4); c.1814A>G, p.Asp605Gly (NM_004009.3); c.1457A>G, p.Asp486Gly (NM_004010.3); short protein forms D486G, D601G, D605G, D609G.
Identifiers: ClinVar variation 1328573 (VCV001328573.5), dbSNP rs2149095572, ClinGen allele CA412673017.